The following is an entry in ClinVar:

NM_001042492.3(NF1):c.5813-167_5813-166insAAGGACTC

Gene: NF1 (neurofibromin 1; plus strand). Cytogenetic location: 17q11.2.
Variant type: Insertion.
Coding change: c.5813-167_5813-166insAAGGACTC on transcript NM_001042492.3 (MANE Select); 167 bases into the intron before coding-DNA position 5813 through 166 bases into the intron before coding-DNA position 5813, AAGGACTC inserted.
Molecular consequence: intron variant.
Genome position: GRCh38 VCF-style: chr17-31334669-T-TTCAAGGAC. GRCh37 (hg19) VCF-style: chr17-29661687-T-TTCAAGGAC.
Other names: c.5750-167_5750-166insAAGGACTC (NM_000267.4).
Identifiers: ClinVar variation 4854164 (VCV004854164.1).
Genomic context (GRCh38, chr17:31,334,669, plus strand): 5'-AAGACAAAACTTTTCAAAAATTGGCTTACTGGCTTTTAAAATTACTTTCTTCAAGGACTG[T>TTCAAGGAC]TCTTTCTTCGCCTCTACAAAAATATATTTGCCAAGTGTCTTTTCTCCAGGCCTGATTCTA-3'

ClinVar aggregate classification (germline): Uncertain significance (1 of 4 stars; one submission).

Conditions:
Neurofibromatosis, type 1 (NF1). Also called: NEUROFIBROMATOSIS, TYPE I, SOMATIC; VON RECKLINGHAUSEN DISEASE; Neurofibromatosis, type I; Peripheral type neurofibromatosis. Identifiers: Orphanet 636, MedGen C0027831, MONDO:0018975, OMIM 162200. Disease mechanism: loss of function.

Submission:

3billion
Classification: Uncertain significance for Neurofibromatosis, type 1. Last evaluated: 2025-09-02. Review status: criteria provided, single submitter. Criteria: ACMG Guidelines, 2015. Collection method: clinical testing. Allele origin: germline. Affected: yes.
Comment: The variant is not observed in the gnomAD v4.1.0 dataset. Predicted Consequence/Location: Intron variant In silico tools predict the variant to alter splicing and produce an abnormal transcript [SpliceAI: 0.38 (>=0.2, moderate evidence for spliceogenicity)]. Therefore, this variant is classified as VUS according to the recommendation of ACMG/AMP guideline.